The following is an entry in ClinVar:

NM_001014447.3(CPZ):c.750C>T (p.Asn250=)

Gene: CPZ (carboxypeptidase Z; plus strand). Cytogenetic location: 4p16.1.
Variant type: single nucleotide variant.
Coding change: c.750C>T on transcript NM_001014447.3 (MANE Select); coding-DNA position 750, C replaced by T.
Protein change: p.Asn250=; no amino-acid change (asparagine 250 retained).
Molecular consequence: synonymous variant.
Genome position (GRCh38, 1-based): chr4:8,606,029, C>T. VCF-style: chr4-8606029-C-T. GRCh37 (hg19) VCF-style: chr4-8607756-C-T.
Other names: c.339C>T, p.Asn113= (NM_001014448.3); c.717C>T, p.Asn239= (NM_003652.4); c.750C>T (NM_001014447.2).
Identifiers: ClinVar variation 775948 (VCV000775948.6), dbSNP rs115075586, ClinGen allele CA2853333.

ClinVar aggregate classification (germline): Benign. Review status: criteria provided, multiple submitters, no conflicts (2 of 4 stars). 3 submissions from 3 submitters: Benign (2). 1 of the submissions does not count toward it. Last evaluated 2018-04-10.

Conditions:
CPZ-related disorder. Also called: CPZ-related condition.

Allele frequency attached by ClinVar (database versions not stated): gnomAD exomes 0.00455; TOPMed 0.01739; ESP Exome Variant Server 0.01822; gnomAD 0.01825; 1000 Genomes Project 0.01957; 1000 Genomes Project 30x 0.02061.
gnomAD v4.1: 5,153 of 1,614,092 alleles (0.32%); highest among the groups gnomAD compares: African/African-American, 5.6%; 153 homozygotes.

Submissions (3):

Labcorp Genetics (formerly Invitae), Labcorp
Classification: Benign. Last evaluated: 2018-04-10. Review status: criteria provided, single submitter. Criteria: Invitae Variant Classification Sherloc (09022015). Collection method: clinical testing. Allele origin: germline.

Breakthrough Genomics
Classification: Benign. Review status: criteria provided, single submitter. Criteria: ACMG Guidelines, 2015. Collection method: not provided. Allele origin: germline. Inheritance: Unknown mechanism. Affected: yes.

PreventionGenetics, part of Exact Sciences
Classification: Benign for CPZ-related condition. Last evaluated: 2019-10-29. Review status: no assertion criteria provided. Collection method: clinical testing. Allele origin: germline. Not counted in ClinVar's aggregate classification.
Comment: This variant is classified as benign based on ACMG/AMP sequence variant interpretation guidelines (Richards et al. 2015 PMID: 25741868, with internal and published modifications).